The following is an entry in ClinVar:

NM_015488.5(PNKD):c.730A>G (p.Lys244Glu)

Genes: CATIP-AS2 (CATIP antisense RNA 2; minus strand), PNKD (PNKD metallo-beta-lactamase domain containing; plus strand). Cytogenetic location: 2q35.
Variant type: single nucleotide variant.
Coding change: c.730A>G on transcript NM_015488.5 (MANE Select); coding-DNA position 730, A replaced by G.
Protein change: p.Lys244Glu; replaces lysine 244 with glutamic acid.
Molecular consequence: missense variant.
Genome position (GRCh38, 1-based): chr2:218,342,093, A>G. VCF-style: chr2-218342093-A-G. GRCh37 (hg19) VCF-style: chr2-219206816-A-G.
Other names: c.658A>G, p.Lys220Glu (NM_022572.5); short protein forms K220E, K244E.
Identifiers: ClinVar variation 4812161 (VCV004812161.1).
Genomic context (GRCh38, chr2:218,342,093, plus strand): 5'-CTGGCTACACCTGGCCACACACAAGGCCATCTGGTCTACCTACTGGATGGGGAGCCCTAC[A>G]AGGGTCCCTCCTGCCTCTTCTCAGGGGACCTGCTCTTCCTCTCTGGCTGTGGTGAGTTTC-3'
Protein context (NP_056303.3, residues 234-254): LVYLLDGEPY[Lys244Glu]GPSCLFSGDL

ClinVar aggregate classification (germline): Uncertain significance (1 of 4 stars; one submission).

Conditions:
Paroxysmal nonkinesigenic dyskinesia. Also called: Paroxysmal non-kinesigenic dyskinesia. Identifiers: Orphanet 98810, MedGen C1869117, MONDO:0700088.

Submission:

Labcorp Genetics (formerly Invitae), Labcorp
Classification: Uncertain significance for Paroxysmal nonkinesigenic dyskinesia. Last evaluated: 2026-01-09. Review status: criteria provided, single submitter. Criteria: Invitae Variant Classification Sherloc (09022015). Collection method: clinical testing. Allele origin: germline.
Comment: This sequence change replaces lysine, which is basic and polar, with glutamic acid, which is acidic and polar, at codon 244 of the PNKD protein (p.Lys244Glu). This variant is not present in population databases (gnomAD no frequency). This variant has not been reported in the literature in individuals affected with PNKD-related conditions. Invitae Evidence Modeling of protein sequence and biophysical properties (such as structural, functional, and spatial information, amino acid conservation, physicochemical variation, residue mobility, and thermodynamic stability) indicates that this missense variant is not expected to disrupt PNKD protein function with a negative predictive value of 80%. In summary, the available evidence is currently insufficient to determine the role of this variant in disease. Therefore, it has been classified as a Variant of Uncertain Significance.